The following is an entry in ClinVar:

ClinVar aggregate classification (germline): Uncertain significance (1 of 4 stars; one submission).

gnomAD v4.1: 1 of 1,614,216 alleles (0.000062%); highest among the groups gnomAD compares: Non-Finnish European, 0.000085%; no homozygotes.

Submission:

Labcorp Genetics (formerly Invitae), Labcorp
Classification: Uncertain significance. Last evaluated: 2024-11-05. Review status: criteria provided, single submitter. Criteria: Invitae Variant Classification Sherloc (09022015). Collection method: clinical testing. Allele origin: germline.
Comment: This sequence change replaces glycine, which is neutral and non-polar, with serine, which is neutral and polar, at codon 99 of the SYT2 protein (p.Gly99Ser). This variant is present in population databases (rs755914506, gnomAD 0.0009%). This variant has not been reported in the literature in individuals affected with SYT2-related conditions. Invitae Evidence Modeling of protein sequence and biophysical properties (such as structural, functional, and spatial information, amino acid conservation, physicochemical variation, residue mobility, and thermodynamic stability) indicates that this missense variant is not expected to disrupt SYT2 protein function with a negative predictive value of 80%. In summary, the available evidence is currently insufficient to determine the role of this variant in disease. Therefore, it has been classified as a Variant of Uncertain Significance.

NM_177402.5(SYT2):c.295G>A (p.Gly99Ser)

Gene: SYT2 (synaptotagmin 2; minus strand). Cytogenetic location: 1q32.1.
Variant type: single nucleotide variant.
Coding change: c.295G>A on transcript NM_177402.5 (MANE Select); coding-DNA position 295, G replaced by A.
Protein change: p.Gly99Ser; replaces glycine 99 with serine.
Molecular consequence: missense variant.
Genome position (GRCh38, 1-based): chr1:202,604,505, C>T on the plus strand (G>A on the coding strand, the complement: SYT2 is on the minus strand). VCF-style: chr1-202604505-C-T. GRCh37 (hg19) VCF-style: chr1-202573633-C-T.
Other names: c.295G>A, p.Gly99Ser (NM_001136504.1); short protein forms G99S.
Identifiers: ClinVar variation 3691893 (VCV003691893.2).